The following is an entry in ClinVar:

NM_001079866.2(BCS1L):c.907G>C (p.Gly303Arg)

Gene: BCS1L (BCS1 ubiquinol-cytochrome c reductase complex chaperone; plus strand). Cytogenetic location: 2q35.
Variant type: single nucleotide variant.
Coding change: c.907G>C on transcript NM_001079866.2 (MANE Select); coding-DNA position 907, G replaced by C.
Protein change: p.Gly303Arg; replaces glycine 303 with arginine.
Molecular consequence: missense variant. On other transcripts: non-coding transcript variant (1).
Genome position (GRCh38, 1-based): chr2:218,662,900, G>C. VCF-style: chr2-218662900-G-C. GRCh37 (hg19) VCF-style: chr2-219527623-G-C.
Other names: c.907G>C, p.Gly303Arg (NM_001257342.2, NM_001257343.2, NM_001257344.2 and 10 more transcripts); c.547G>C, p.Gly183Arg (NM_001318836.2, NM_001371451.1); c.406G>C, p.Gly136Arg (NM_001371452.1, NM_001371453.1, NM_001371454.1 and 3 more transcripts); short protein forms G136R, G183R, G303R.
Identifiers: ClinVar variation 2632298 (VCV002632298.5), dbSNP rs773812835, ClinGen allele CA2109791.

ClinVar aggregate classification (germline): Uncertain significance. Review status: criteria provided, multiple submitters, no conflicts (2 of 4 stars). 3 submissions from 3 submitters: Uncertain significance (3). Last evaluated 2025-06-12.

Conditions:
Inborn genetic diseases. Identifiers: MedGen C0950123, MeSH D030342.
BCS1L-related disorder. Also called: BCS1L-related condition; BCS1L-related disorders. Identifiers: MedGen CN239240.

Allele frequency attached by ClinVar (database versions not stated): ExAC 0.00001; TOPMed 0.00001.

Submissions (3):

Labcorp Genetics (formerly Invitae), Labcorp
Classification: Uncertain significance. Last evaluated: 2025-06-12. Review status: criteria provided, single submitter. Criteria: Invitae Variant Classification Sherloc (09022015). Collection method: clinical testing. Allele origin: germline.
Comment: This sequence change replaces glycine, which is neutral and non-polar, with arginine, which is basic and polar, at codon 303 of the BCS1L protein (p.Gly303Arg). This variant is present in population databases (rs773812835, gnomAD 0.007%). This variant has not been reported in the literature in individuals affected with BCS1L-related conditions. ClinVar contains an entry for this variant (Variation ID: 2632298). Invitae Evidence Modeling of protein sequence and biophysical properties (such as structural, functional, and spatial information, amino acid conservation, physicochemical variation, residue mobility, and thermodynamic stability) has been performed for this missense variant. However, the output from this modeling did not meet the statistical confidence thresholds required to predict the impact of this variant on BCS1L protein function. In summary, the available evidence is currently insufficient to determine the role of this variant in disease. Therefore, it has been classified as a Variant of Uncertain Significance.

Ambry Genetics
Classification: Uncertain significance for Inborn genetic diseases. Last evaluated: 2024-08-21. Review status: criteria provided, single submitter. Criteria: Ambry Variant Classification Scheme 2023. Collection method: clinical testing. Allele origin: germline.

PreventionGenetics, part of Exact Sciences
Classification: Uncertain significance for BCS1L-related condition. Last evaluated: 2023-06-13. Review status: criteria provided, single submitter. Criteria: ACMG Guidelines, 2015. Collection method: clinical testing. Allele origin: germline.
Comment: The BCS1L c.907G>C variant is predicted to result in the amino acid substitution p.Gly303Arg. To our knowledge, this variant has not been reported in the literature or in a large population database, indicating this variant is rare. At this time, the clinical significance of this variant is uncertain due to the absence of conclusive functional and genetic evidence.